The following is an entry in ClinVar:

NM_022835.3(PLEKHG2):c.2366T>C (p.Leu789Pro)

Gene: PLEKHG2 (pleckstrin homology and RhoGEF domain containing G2; plus strand). Cytogenetic location: 19q13.2.
Variant type: single nucleotide variant.
Coding change: c.2366T>C on transcript NM_022835.3 (MANE Select); coding-DNA position 2366, T replaced by C.
Protein change: p.Leu789Pro; replaces leucine 789 with proline.
Molecular consequence: missense variant. On other transcripts: intron variant (1).
Genome position (GRCh38, 1-based): chr19:39,423,420, T>C. VCF-style: chr19-39423420-T-C. GRCh37 (hg19) VCF-style: chr19-39914060-T-C.
Other names: c.2189T>C, p.Leu730Pro (NM_001351693.2); c.1677+1132T>C (NM_001351694.2); short protein forms L730P, L789P.
Identifiers: ClinVar variation 1461685 (VCV001461685.8), dbSNP rs749524867, ClinGen allele CA9429756.

ClinVar aggregate classification (germline): Uncertain significance (1 of 4 stars; one submission).

Allele frequency attached by ClinVar (database versions not stated): gnomAD exomes 0.00001; ExAC 0.00002.

Submission:

Labcorp Genetics (formerly Invitae), Labcorp
Classification: Uncertain significance. Last evaluated: 2021-12-02. Review status: criteria provided, single submitter. Criteria: Invitae Variant Classification Sherloc (09022015). Collection method: clinical testing. Allele origin: germline.
Comment: This sequence change replaces leucine, which is neutral and non-polar, with proline, which is neutral and non-polar, at codon 789 of the PLEKHG2 protein (p.Leu789Pro). This variant is present in population databases (rs749524867, gnomAD 0.003%). This variant has not been reported in the literature in individuals affected with PLEKHG2-related conditions. Algorithms developed to predict the effect of missense changes on protein structure and function (SIFT, PolyPhen-2, Align-GVGD) all suggest that this variant is likely to be disruptive. In summary, the available evidence is currently insufficient to determine the role of this variant in disease. Therefore, it has been classified as a Variant of Uncertain Significance.